The following is an entry in ClinVar:

NM_152383.5(DIS3L2):c.1910C>T (p.Ala637Val)

Gene: DIS3L2 (DIS3 like 3'-5' exoribonuclease 2; plus strand). Cytogenetic location: 2q37.1.
Variant type: single nucleotide variant.
Coding change: c.1910C>T on transcript NM_152383.5 (MANE Select); coding-DNA position 1910, C replaced by T.
Protein change: p.Ala637Val; replaces alanine 637 with valine.
Molecular consequence: missense variant. On other transcripts: non-coding transcript variant (2), intron variant (1).
Genome position (GRCh38, 1-based): chr2:232,329,983, C>T. VCF-style: chr2-232329983-C-T. GRCh37 (hg19) VCF-style: chr2-233194693-C-T.
Other names: c.1582-13362C>T (NM_001257281.2); short protein forms A637V.
Identifiers: ClinVar variation 2804404 (VCV002804404.3), dbSNP rs2469434655, ClinGen allele CA350976286.

ClinVar aggregate classification (germline): Uncertain significance (1 of 4 stars; one submission).

Conditions:
Perlman syndrome (PRLMNS). Identifiers: Orphanet 2849, MedGen C0796113, MONDO:0009965, OMIM 267000.

Allele frequency attached by ClinVar (database versions not stated): gnomAD exomes below 0.00001.
gnomAD v4.1: 2 of 1,610,418 alleles (0.00012%); highest among the groups gnomAD compares: Non-Finnish European, 0.00017%; no homozygotes.

Submission:

Labcorp Genetics (formerly Invitae), Labcorp
Classification: Uncertain significance for Perlman syndrome. Last evaluated: 2022-11-14. Review status: criteria provided, single submitter. Criteria: Invitae Variant Classification Sherloc (09022015). Collection method: clinical testing. Allele origin: germline.
Comment: This sequence change replaces alanine, which is neutral and non-polar, with valine, which is neutral and non-polar, at codon 637 of the DIS3L2 protein (p.Ala637Val). This variant is not present in population databases (gnomAD no frequency). This variant has not been reported in the literature in individuals affected with DIS3L2-related conditions. Advanced modeling of protein sequence and biophysical properties (such as structural, functional, and spatial information, amino acid conservation, physicochemical variation, residue mobility, and thermodynamic stability) performed at Invitae indicates that this missense variant is not expected to disrupt DIS3L2 protein function. In summary, the available evidence is currently insufficient to determine the role of this variant in disease. Therefore, it has been classified as a Variant of Uncertain Significance.